The following is an entry in ClinVar:

ClinVar aggregate classification (germline): Uncertain significance (1 of 4 stars; one submission).

Conditions:
Leigh syndrome (NULS). Also called: Leigh's necrotizing encephalopathy; Leigh's disease; Leigh's syndrome; LEIGH SYNDROME, NUCLEAR; Leigh Syndrome (mtDNA deletion); Leigh Disease. Identifiers: Orphanet 506, MedGen C2931891, MONDO:0009723, OMIM 256000.

Submission:

Wong Mito Lab, Molecular and Human Genetics, Baylor College of Medicine
Classification: Uncertain significance for Leigh syndrome. Last evaluated: 2019-10-17. Review status: criteria provided, single submitter. Criteria: Modified ACMG Guidelines (Unpublished). Collection method: clinical testing. Allele origin: germline.
Comment: The NC_012920.1:m.13885C>A (YP_003024036.1:p.Leu517Met) variant in MTND5 gene is interpretated to be a Uncertain Significance variant based on the modified ACMG guidelines (unpublished). This variant meets the following evidence codes: BP4

NC_012920.1(MT-ND5):m.13885C>A

Gene: MT-ND5 (mitochondrially encoded NADH dehydrogenase 5; plus strand).
Variant type: single nucleotide variant.
Genome position: chrM-13885-C-A.
Identifiers: ClinVar variation 693626 (VCV000693626.1), dbSNP rs1603224399, ClinGen allele CA414819941.